The following is an entry in ClinVar:

ClinVar aggregate classification (germline): Benign. Review status: criteria provided, multiple submitters, no conflicts (2 of 4 stars). 2 submissions from 2 submitters: Benign (2). Last evaluated 2018-06-14.

Allele frequency attached by ClinVar (database versions not stated): 1000 Genomes Project 0.20867; 1000 Genomes Project 30x 0.21143; gnomAD 0.28832 and 0.29414; ExAC 0.29128; gnomAD exomes 0.29434; TOPMed 0.30714; ESP Exome Variant Server 0.31639.
gnomAD v4.1: 490,451 of 1,505,664 alleles (33%); highest among the groups gnomAD compares: Admixed American, 40%; 85,097 homozygotes.

Submissions (2):

GeneDx
Classification: Benign. Last evaluated: 2018-06-14. Review status: criteria provided, single submitter. Criteria: GeneDx Variant Classification (06012015). Collection method: clinical testing. Allele origin: germline. Affected: yes.
Comment: This variant is considered likely benign or benign based on one or more of the following criteria: it is a conservative change, it occurs at a poorly conserved position in the protein, it is predicted to be benign by multiple in silico algorithms, and/or has population frequency not consistent with disease.

Breakthrough Genomics
Classification: Benign. Review status: criteria provided, single submitter. Criteria: ACMG Guidelines, 2015. Collection method: not provided. Allele origin: germline. Inheritance: Autosomal recessive inheritance. Affected: yes.

NM_006767.4(LZTR1):c.2220-49G>A

Gene: LZTR1 (leucine zipper like post translational regulator 1; plus strand). Cytogenetic location: 22q11.21.
Variant type: single nucleotide variant.
Coding change: c.2220-49G>A on transcript NM_006767.4 (MANE Select); 49 bases into the intron before coding-DNA position 2220, G replaced by A.
Molecular consequence: intron variant.
Genome position (GRCh38, 1-based): chr22:20,996,647, G>A. VCF-style: chr22-20996647-G-A. GRCh37 (hg19) VCF-style: chr22-21350936-G-A.
Identifiers: ClinVar variation 561421 (VCV000561421.2), dbSNP rs11704198, ClinGen allele CA10119292.
Genomic context (GRCh38, chr22:20,996,647, plus strand): 5'-AGCATGCTGGCGTGGGGGCTTGGGGCTCCAGCTGCGCCCTTCCCTGTCCTTCCCTGGGAG[G>A]GTGCGGGCGGACCAGCTTCCTTTAGTCAGCTCCTTAACCAGGCCCCAGCTACTTGTTTGC-3'